The following is an entry in ClinVar:

NM_000321.3(RB1):c.1696-11G>A

Gene: RB1 (RB transcriptional corepressor 1; plus strand). Cytogenetic location: 13q14.2.
Variant type: single nucleotide variant.
Coding change: c.1696-11G>A on transcript NM_000321.3 (MANE Select); 11 bases into the intron before coding-DNA position 1696, G replaced by A.
Molecular consequence: intron variant.
Genome position (GRCh38, 1-based): chr13:48,452,982, G>A. VCF-style: chr13-48452982-G-A. GRCh37 (hg19) VCF-style: chr13-49027118-G-A.
Identifiers: ClinVar variation 1593934 (VCV001593934.9), dbSNP rs1949337308, ClinGen allele CA2090013982.
Genomic context (GRCh38, chr13:48,452,982, plus strand): 5'-TATGATTTTGATATGTACCTGGGAAAATTATGCTTACTAATGTGGTTTTAATTTCATCAT[G>A]TTTCATATAGGATTCACCTTTATTTGATCTTATTAAACAATCAAAGGACCGAGAAGGACC-3'

ClinVar aggregate classification (germline): Likely benign. Review status: criteria provided, multiple submitters, no conflicts (2 of 4 stars). 2 submissions from 2 submitters: Likely benign (2). Last evaluated 2025-10-06.

Conditions:
Retinoblastoma (RB1). Also called: RETINOBLASTOMA, SOMATIC. Identifiers: Orphanet 790, MedGen C0035335, MeSH D012175, MONDO:0008380, OMIM 180200, HP:0009919. Disease mechanism: loss of function. Inheritance: Both sporadic and heritable forms are tested..

Submissions (2):

Labcorp Genetics (formerly Invitae), Labcorp
Classification: Likely benign for Retinoblastoma. Last evaluated: 2025-10-06. Review status: criteria provided, single submitter. Criteria: Invitae Variant Classification Sherloc (09022015). Collection method: clinical testing. Allele origin: germline.

All of Us Research Program, National Institutes of Health
Classification: Likely benign for Retinoblastoma. Last evaluated: 2023-05-04. Review status: criteria provided, single submitter. Criteria: ACMG Guidelines, 2015. Collection method: clinical testing. Allele origin: germline. Inheritance: Autosomal dominant inheritance. Observed: 1 variant allele, 1 heterozygote.
Comment: This study involves interpretation of variants in research participants for the purpose of population health screening. Participant phenotype was not available at the time of variant classification. Additional details can be found in publication PMID: 35346344, PMCID: PMC8962531